The following is an entry in ClinVar:

ClinVar aggregate classification (germline): Uncertain significance. Review status: criteria provided, multiple submitters, no conflicts (2 of 4 stars). 2 submissions from 2 submitters: Uncertain significance (2). Last evaluated 2026-01-14.

Conditions:
Inborn genetic diseases. Identifiers: MedGen C0950123, MeSH D030342.

Allele frequency attached by ClinVar (database versions not stated): gnomAD 0.00003; 1000 Genomes Project 0.00020; gnomAD exomes 0.00004; TOPMed 0.00002; 1000 Genomes Project 30x 0.00031.
gnomAD v4.1: 54 of 1,614,196 alleles (0.0033%); highest among the groups gnomAD compares: Non-Finnish European, 0.0042%; no homozygotes.

Submissions (2):

Labcorp Genetics (formerly Invitae), Labcorp
Classification: Uncertain significance. Last evaluated: 2026-01-14. Review status: criteria provided, single submitter. Criteria: Invitae Variant Classification Sherloc (09022015). Collection method: clinical testing. Allele origin: germline.
Comment: This sequence change replaces serine, which is neutral and polar, with asparagine, which is neutral and polar, at codon 193 of the MBD4 protein (p.Ser193Asn). This variant is present in population databases (rs537246927, gnomAD 0.007%). This variant has not been reported in the literature in individuals affected with MBD4-related conditions. ClinVar contains an entry for this variant (Variation ID: 2777204). An algorithm developed to predict the effect of missense changes on protein structure and function outputs the following: PolyPhen-2: "Benign". The asparagine amino acid residue is found in multiple mammalian species, which suggests that this missense change does not adversely affect protein function. In summary, the available evidence is currently insufficient to determine the role of this variant in disease. Therefore, it has been classified as a Variant of Uncertain Significance.

Ambry Genetics
Classification: Uncertain significance for Inborn genetic diseases. Last evaluated: 2025-11-05. Review status: criteria provided, single submitter. Criteria: Ambry Variant Classification Scheme 2023. Collection method: clinical testing. Allele origin: germline.
Comment: The p.S193N variant (also known as c.578G>A), located in coding exon 3 of the MBD4 gene, results from a G to A substitution at nucleotide position 578. The serine at codon 193 is replaced by asparagine, an amino acid with highly similar properties. This amino acid position is conserved. In addition, this alteration is predicted to be tolerated by in silico analysis. Based on the available evidence, the clinical significance of this variant remains unclear.

NM_001276270.2(MBD4):c.578G>A (p.Ser193Asn)

Gene: MBD4 (methyl-CpG binding domain 4, DNA glycosylase; minus strand). Cytogenetic location: 3q21.3.
Variant type: single nucleotide variant.
Coding change: c.578G>A on transcript NM_001276270.2 (MANE Select); coding-DNA position 578, G replaced by A.
Protein change: p.Ser193Asn; replaces serine 193 with asparagine.
Molecular consequence: missense variant. On other transcripts: intron variant (1).
Genome position (GRCh38, 1-based): chr3:129,437,066, C>T on the plus strand (G>A on the coding strand, the complement: MBD4 is on the minus strand). VCF-style: chr3-129437066-C-T. GRCh37 (hg19) VCF-style: chr3-129155909-C-T.
Other names: c.578G>A, p.Ser193Asn (NM_001276271.2, NM_001276272.2, NM_003925.3); c.247+742G>A (NM_001276273.2); short protein forms S193N.
Identifiers: ClinVar variation 2777204 (VCV002777204.4), dbSNP rs537246927, ClinGen allele CA82636648.